The following is an entry in ClinVar:

NM_004281.4(BAG3):c.436C>T (p.Gln146Ter)

Gene: BAG3 (BAG cochaperone 3; plus strand). Cytogenetic location: 10q26.11.
Variant type: single nucleotide variant.
Coding change: c.436C>T on transcript NM_004281.4 (MANE Select); coding-DNA position 436, C replaced by T.
Protein change: p.Gln146Ter; replaces glutamine 146 with a stop codon.
Molecular consequence: nonsense.
Genome position (GRCh38, 1-based): chr10:119,670,106, C>T. VCF-style: chr10-119670106-C-T. GRCh37 (hg19) VCF-style: chr10-121429618-C-T.
Other names: short protein forms Q146*.
Identifiers: ClinVar variation 3236259 (VCV003236259.1), dbSNP rs2494009711, ClinGen allele CA378295085.
Genomic context (GRCh38, chr10:119,670,106, plus strand): 5'-GCGGCAGCAGCGGCTCCTCAGAGGTCCCAGTCACCTCTGCGGGGCATGCCAGAAACCACT[C>T]AGCCAGATAAACAGTGTGGACAGGTGGCAGCGGCGGCGGCAGCCCAGCCCCCAGCCTCCC-3'

ClinVar aggregate classification (germline): Likely pathogenic (1 of 4 stars; one submission).

Conditions:
Dilated cardiomyopathy 1HH (CMD1HH). Identifiers: Orphanet 154, MedGen C3151293, MONDO:0013479, OMIM 613881.

Allele frequency attached by ClinVar (database versions not stated): gnomAD exomes below 0.00001.
gnomAD v4.1: 1 of 1,613,678 alleles (0.000062%); highest among the groups gnomAD compares: Non-Finnish European, 0.000085%; no homozygotes.

Submission:

MVZ Medizinische Genetik Mainz
Classification: Likely pathogenic for Dilated cardiomyopathy 1HH. Last evaluated: 2022-06-09. Review status: criteria provided, single submitter. Criteria: UK Practice Guidelines For Variant Classification V4 01 2020. Collection method: clinical testing. Allele origin: germline. Inheritance: Autosomal dominant inheritance. Affected: yes. Observed: 1 variant allele.
Comment: ACMG Criteria: PVS1, PM2_SUP (ACMG Version 3)